The following is an entry in ClinVar:

NM_001395413.1(POR):c.776A>C (p.Tyr259Ser)

Gene: POR (cytochrome p450 oxidoreductase; plus strand). Cytogenetic location: 7q11.23.
Variant type: single nucleotide variant.
Coding change: c.776A>C on transcript NM_001395413.1 (MANE Select); coding-DNA position 776, A replaced by C.
Protein change: p.Tyr259Ser; replaces tyrosine 259 with serine.
Molecular consequence: missense variant.
Genome position (GRCh38, 1-based): chr7:75,982,277, A>C. VCF-style: chr7-75982277-A-C. GRCh37 (hg19) VCF-style: chr7-75611595-A-C.
Other names: c.776A>C, p.Tyr259Ser (NM_001367562.3, NM_001382657.2, NM_001382658.3 and 2 more transcripts); c.830A>C, p.Tyr277Ser (NM_001382655.3); short protein forms Y259S, Y277S.
Identifiers: ClinVar variation 373417 (VCV000373417.2), dbSNP rs1057518406, ClinGen allele CA16042600.

ClinVar aggregate classification (germline): Uncertain significance (1 of 4 stars; one submission).

Submission:

GeneDx
Classification: Uncertain significance. Last evaluated: 2016-12-07. Review status: criteria provided, single submitter. Criteria: GeneDx Variant Classification (06012015). Collection method: clinical testing. Allele origin: germline. Affected: yes.
Comment: The Y262S variant in the POR gene has not been reported previously as a pathogenic variant, nor as a benign variant, to our knowledge. The Y262S variant was not observed in approximately 6300 individuals of European and African American ancestry in the NHLBI Exome Sequencing Project, indicating it is not a common benign variant in these populations. The Y262S variant is a semi-conservative amino acid substitution, which may impact secondary protein structure as these residues differ in some properties. In addition, this substitution occurs at a position that is conserved across mammalian species, and in silico analysis predicts this variant is probably damaging to the protein structure/function. We interpret Y262S as a variant of uncertain significance.